The following is an entry in ClinVar:

ClinVar aggregate classification (germline): Likely pathogenic. Review status: criteria provided, multiple submitters, no conflicts (2 of 4 stars). 2 submissions from 2 submitters: Likely pathogenic (2). Last evaluated 2024-12-19.

Conditions:
Tay-Sachs disease (TSD). Also called: HEXA DEFICIENCY; HEXA Disorders; GM2 gangliosidosis, type 1; Hexosaminidase alpha-subunit deficiency (variant B); Sphingolipidosis, Tay-Sachs; Hexosaminidase A Deficiency. Identifiers: Orphanet 845, MedGen C0039373, MONDO:0010100, OMIM 272800.

Submissions (2):

Natera, Inc.
Classification: Likely pathogenic for Tay-Sachs disease. Last evaluated: 2024-12-19. Review status: criteria provided, single submitter. Criteria: Natera Variant Classification Schema (03/2026). Collection method: clinical testing. Allele origin: germline.
Comment: The c.1002del variant in HEXA is a frameshift variant predicted to shift the reading frame beginning at codon 335 and leads to a stop codon 5 codons downstream. This variant is expected to result in nonsense mediated decay, truncation, or a dysfunctional protein product. This variant is rare in the general population with a frequency below the threshold expected for the associated phenotype(s). Given the available evidence, this variant is classified as Likely Pathogenic.

Baylor Genetics
Classification: Likely pathogenic for Tay-Sachs disease. Last evaluated: 2024-02-06. Review status: criteria provided, single submitter. Criteria: ACMG Guidelines, 2015. Collection method: clinical testing. Allele origin: unknown.

NM_000520.6(HEXA):c.1002del (p.Ile335fs)

Gene: HEXA (hexosaminidase subunit alpha; minus strand). Cytogenetic location: 15q23.
Variant type: Deletion.
Coding change: c.1002del on transcript NM_000520.6 (MANE Select); coding-DNA position 1002, one base deleted (G; older notation c.1002delG).
Protein change: p.Ile335fs; shifts the reading frame from isoleucine 335.
Molecular consequence: frameshift variant. On other transcripts: non-coding transcript variant (1).
Genome position (GRCh38, 1-based): chr15:72,348,119, C deleted on the plus strand (G on the coding strand, the reverse complement: HEXA is on the minus strand). VCF-style (leftmost placement, unchanged base first): chr15-72348118-TC-T. GRCh37 (hg19) VCF-style: chr15-72640459-TC-T.
Other names: c.1035del, p.Ile346fs (NM_001318825.2); c.1002del (NM_000520.5); short protein forms I335fs, I346fs.
Identifiers: ClinVar variation 3238759 (VCV003238759.2), dbSNP rs2542520561.
Genomic context (GRCh38, chr15:72,348,118, plus strand): 5'-AGAAGGACTCCAGCTGCTTGAAGTCCTCACCGAAGCCTTTCTTCCTCATAAAGTCCTGGA[TC>T]TCTGGGTTGGACTTCCTGAATCCCAAGAGAAAATGAAGATTAATCTTTCAACATCCTGAA-3'